The following is an entry in ClinVar:

ClinVar aggregate classification (germline): Uncertain significance (1 of 4 stars; one submission).

Submission:

GeneDx
Classification: Uncertain significance. Last evaluated: 2026-03-24. Review status: criteria provided, single submitter. Criteria: GeneDx Variant Classification Process June 2021. Collection method: clinical testing. Allele origin: germline.
Comment: Not observed at significant frequency in large population cohorts (gnomAD); In silico analysis suggests that this missense variant does not alter protein structure/function; Has not been previously published as pathogenic or benign to our knowledge

NM_181552.4(CUX1):c.2630A>G (p.Glu877Gly)

Gene: CUX1 (cut like homeobox 1; plus strand). Cytogenetic location: 7q22.1.
Variant type: single nucleotide variant.
Coding change: c.2630A>G on transcript NM_181552.4 (MANE Select); coding-DNA position 2630, A replaced by G.
Protein change: p.Glu877Gly; replaces glutamic acid 877 with glycine.
Molecular consequence: missense variant. On other transcripts: intron variant (5).
Genome position (GRCh38, 1-based): chr7:102,201,927, A>G. VCF-style: chr7-102201927-A-G. GRCh37 (hg19) VCF-style: chr7-101845207-A-G.
Other names: c.2663A>G, p.Glu888Gly (NM_001202543.2); c.1255+6324A>G (NM_001913.5); c.1249+6324A>G (NM_181500.4); c.1117+6324A>G (NM_001202545.3); c.1207+6324A>G (NM_001202544.3); c.1138+6324A>G (NM_001202546.3); short protein forms E877G, E888G.
Identifiers: ClinVar variation 5017397 (VCV005017397.1).